The following is an entry in ClinVar:

NM_203447.4(DOCK8):c.5881G>C (p.Val1961Leu)

Gene: DOCK8 (dedicator of cytokinesis 8; plus strand). Cytogenetic location: 9p24.3.
Variant type: single nucleotide variant.
Coding change: c.5881G>C on transcript NM_203447.4 (MANE Select); coding-DNA position 5881, G replaced by C.
Protein change: p.Val1961Leu; replaces valine 1961 with leucine.
Molecular consequence: missense variant.
Genome position (GRCh38, 1-based): chr9:449,847, G>C. VCF-style: chr9-449847-G-C. GRCh37 (hg19) VCF-style: chr9-449847-G-C.
Other names: c.5581G>C, p.Val1861Leu (NM_001190458.2); c.5677G>C, p.Val1893Leu (NM_001193536.2); short protein forms V1893L, V1961L, V1861L.
Identifiers: ClinVar variation 913460 (VCV000913460.8), dbSNP rs2057374290, ClinGen allele CA372769437.

ClinVar aggregate classification (germline): Uncertain significance. Review status: criteria provided, multiple submitters, no conflicts (2 of 4 stars). 2 submissions from 2 submitters: Uncertain significance (2). Last evaluated 2025-02-13.

Conditions:
Combined immunodeficiency due to DOCK8 deficiency (HIES2). Also called: HIES autosomal recessive; Hyper-IgE recurrent infection syndrome, autosomal recessive; HYPER-IgE SYNDROME 2, AUTOSOMAL RECESSIVE, WITH RECURRENT INFECTIONS; DOCK8 Deficiency; HYPER-IgE RECURRENT INFECTION SYNDROME 2, AUTOSOMAL RECESSIVE. Identifiers: Orphanet 217390, MedGen C4722305, MONDO:0009478, OMIM 243700.

Allele frequency attached by ClinVar (database versions not stated): gnomAD exomes 0.00006.
gnomAD v4.1: 37 of 1,613,658 alleles (0.0023%); highest among the groups gnomAD compares: East Asian, 0.082%; no homozygotes.

Submissions (2):

Labcorp Genetics (formerly Invitae), Labcorp
Classification: Uncertain significance for Combined immunodeficiency due to DOCK8 deficiency. Last evaluated: 2025-02-13. Review status: criteria provided, single submitter. Criteria: Invitae Variant Classification Sherloc (09022015). Collection method: clinical testing. Allele origin: germline.
Comment: This sequence change replaces valine, which is neutral and non-polar, with leucine, which is neutral and non-polar, at codon 1961 of the DOCK8 protein (p.Val1961Leu). This variant is not present in population databases (gnomAD no frequency). This variant has not been reported in the literature in individuals affected with DOCK8-related conditions. ClinVar contains an entry for this variant (Variation ID: 913460). Invitae Evidence Modeling of protein sequence and biophysical properties (such as structural, functional, and spatial information, amino acid conservation, physicochemical variation, residue mobility, and thermodynamic stability) indicates that this missense variant is not expected to disrupt DOCK8 protein function with a negative predictive value of 80%. In summary, the available evidence is currently insufficient to determine the role of this variant in disease. Therefore, it has been classified as a Variant of Uncertain Significance.

Illumina Laboratory Services, Illumina
Classification: Uncertain significance for Combined immunodeficiency due to DOCK8 deficiency. Last evaluated: 2018-01-12. Review status: criteria provided, single submitter. Criteria: ICSL Variant Classification Criteria 13 December 2019. Collection method: clinical testing. Allele origin: germline.